The following is an entry in ClinVar:

NM_000132.4(F8):c.1443+5G>A

Gene: F8 (coagulation factor VIII; minus strand). Cytogenetic location: Xq28.
Variant type: single nucleotide variant.
Coding change: c.1443+5G>A on transcript NM_000132.4 (MANE Select); 5 bases into the intron after coding-DNA position 1443, G replaced by A.
Molecular consequence: intron variant.
Genome position (GRCh38, 1-based): chrX:154,965,965, C>T on the plus strand (G>A on the coding strand, the complement: F8 is on the minus strand). VCF-style: chrX-154965965-C-T. GRCh37 (hg19) VCF-style: chrX-154194240-C-T.
Identifiers: ClinVar variation 811899 (VCV000811899.9), dbSNP rs1195283929, ClinGen allele CA873356893.
Genomic context (GRCh38, chrX:154,965,965, plus strand): 5'-TTAGAAACTCAAAACTCTCCAGACTTTTTCTTCTTACCTGACCTTAAATCTTTTCTTCAA[C>T]TTACCAACAGTGTGTCTCCAACTTCCCCATAAAGTAAAGGTCCCAAGATTCCTGATTCAT-3'

ClinVar aggregate classification (germline): Likely pathogenic (1 of 4 stars; one submission).

Conditions:
Hereditary factor VIII deficiency disease (HEMA). Also called: AUTOSOMAL HEMOPHILIA A; Hemophilia A; HEMOPHILIA, CLASSIC; Hemophilia A, congenital; HEM A; Factor 8 deficiency, congenital. Identifiers: Orphanet 98878, MedGen C0019069, MONDO:0010602, OMIM 306700.

Allele frequency attached by ClinVar (database versions not stated): TOPMed 0.00002.

Submission:

ARUP Laboratories, Molecular Genetics and Genomics, ARUP Laboratories
Classification: Likely pathogenic for Hereditary factor VIII deficiency disease. Last evaluated: 2021-04-06. Review status: criteria provided, single submitter. Criteria: ARUP Molecular Germline Variant Investigation Process 2021. Collection method: clinical testing. Allele origin: germline.
Comment: The F8 c.1443+5G>A variant (rs1195283929) is reported in the literature in individuals affected with hemophilia A (Li 2019, Ravanbod 2012). Functional assays indicated one individual had undetectable F8 activity, suggestive of severe disease (Ravanbod 2012). This variant is absent from the Genome Aggregation Database, indicating it is not a common polymorphism. This is an intronic variant in a moderately conserved nucleotide, and computational analyses (Alamut v.2.11) predict that this variant may impact splicing by weakening the nearby canonical donor splice site. In vitro assays on patient DNA demonstrate alternate splicing causing a frameshift (Li 2019). Based on available information, this variant is considered to be likely pathogenic. References: Li D et al. F8 IVS9+5G>A mutation causes moderate haemophilia A. Haemophilia. 2019 Mar;25(2):e132-e135. PMID: 30748051. Ravanbod S et al. Identification of 123 previously unreported mutations in the F8 gene of Iranian patients with haemophilia A. Haemophilia. 2012 May;18(3):e340-6. PMID: 22117735.